The following is an entry in ClinVar:

NM_000245.4(MET):c.3692A>T (p.Asp1231Val)

Gene: MET (MET proto-oncogene, receptor tyrosine kinase; plus strand). Cytogenetic location: 7q31.2.
Variant type: single nucleotide variant.
Coding change: c.3692A>T on transcript NM_000245.4 (MANE Select); coding-DNA position 3692, A replaced by T.
Protein change: p.Asp1231Val; replaces aspartic acid 1231 with valine.
Molecular consequence: missense variant.
Genome position (GRCh38, 1-based): chr7:116,783,363, A>T. VCF-style: chr7-116783363-A-T. GRCh37 (hg19) VCF-style: chr7-116423417-A-T.
Other names: c.3746A>T, p.Asp1249Val (NM_001127500.3); c.2402A>T, p.Asp801Val (NM_001324402.2); short protein forms D801V, D1249V, D1231V.
Identifiers: ClinVar variation 824153 (VCV000824153.4), dbSNP rs1584965536, ClinGen allele CA368991609.
Genomic context (GRCh38, chr7:116,783,363, plus strand): 5'-GGCTGGATGAAAAATTCACAGTCAAGGTTGCTGATTTTGGTCTTGCCAGAGACATGTATG[A>T]TAAAGAATACTATAGTGTACACAACAAAACAGGTGCAAAGCTGCCAGTGAAGTGGATGGC-3'
Protein context (NP_000236.2, residues 1221-1241): ADFGLARDMY[Asp1231Val]KEYYSVHNKT

ClinVar aggregate classification (germline): Uncertain significance (1 of 4 stars; one submission).

Conditions:
Hereditary cancer-predisposing syndrome. Also called: Neoplastic Syndromes, Hereditary; Tumor predisposition; Hereditary neoplastic syndrome; Hereditary Cancer Syndrome. Identifiers: Orphanet 140162, MedGen C0027672, MeSH D009386, MONDO:0015356.

gnomAD v4.1: 1 of 1,614,152 alleles (0.000062%); highest among the groups gnomAD compares: Non-Finnish European, 0.000085%; no homozygotes.

Submission:

Ambry Genetics
Classification: Uncertain significance for Hereditary cancer-predisposing syndrome. Last evaluated: 2019-10-08. Review status: criteria provided, single submitter. Criteria: Ambry Variant Classification Scheme 2023. Collection method: clinical testing. Allele origin: germline.
Comment: The p.D1249V variant (also known as c.3746A>T), located in coding exon 18 of the MET gene, results from an A to T substitution at nucleotide position 3746. The aspartic acid at codon 1249 is replaced by valine, an amino acid with highly dissimilar properties. This amino acid position is highly conserved in available vertebrate species. In addition, this alteration is predicted to be deleterious by in silico analysis. Since supporting evidence is limited at this time, the clinical significance of this alteration remains unclear.